The following is an entry in ClinVar:

ClinVar aggregate classification (germline): Uncertain significance. Review status: criteria provided, multiple submitters, no conflicts (2 of 4 stars). 2 submissions from 2 submitters: Uncertain significance (2). Last evaluated 2022-08-22.

Conditions:
Developmental and epileptic encephalopathy, 50 (DEE50). Also called: Epileptic encephalopathy, early infantile, 50. Identifiers: Orphanet 448010, MedGen C4225320, MONDO:0014647, OMIM 616457.

Allele frequency attached by ClinVar (database versions not stated): gnomAD exomes 0.00001 and 0.00002; TOPMed 0.00001; ExAC 0.00002; gnomAD 0.00005; ESP Exome Variant Server 0.00008.
gnomAD v4.1: 21 of 1,614,038 alleles (0.0013%); highest among the groups gnomAD compares: African/African-American, 0.011%; no homozygotes.

Submissions (2):

Labcorp Genetics (formerly Invitae), Labcorp
Classification: Uncertain significance. Last evaluated: 2022-08-22. Review status: criteria provided, single submitter. Criteria: Invitae Variant Classification Sherloc (09022015). Collection method: clinical testing. Allele origin: germline.
Comment: This sequence change replaces arginine, which is basic and polar, with glutamine, which is neutral and polar, at codon 1403 of the CAD protein (p.Arg1403Gln). This variant is present in population databases (rs368332006, gnomAD 0.006%). This variant has not been reported in the literature in individuals affected with CAD-related conditions. ClinVar contains an entry for this variant (Variation ID: 1028222). Algorithms developed to predict the effect of missense changes on protein structure and function are either unavailable or do not agree on the potential impact of this missense change (SIFT: "Tolerated"; PolyPhen-2: "Probably Damaging"; Align-GVGD: "Class C0"). Algorithms developed to predict the effect of sequence changes on RNA splicing suggest that this variant may create or strengthen a splice site. In summary, the available evidence is currently insufficient to determine the role of this variant in disease. Therefore, it has been classified as a Variant of Uncertain Significance.

Baylor Genetics
Classification: Uncertain significance for Developmental and epileptic encephalopathy, 50. Last evaluated: 2020-09-04. Review status: criteria provided, single submitter. Criteria: ACMG Guidelines, 2015. Collection method: clinical testing. Allele origin: unknown. Affected: yes.
Comment: This variant was determined to be of uncertain significance according to ACMG Guidelines, 2015 [PMID:25741868].

NM_004341.5(CAD):c.4208G>A (p.Arg1403Gln)

Gene: CAD (carbamoyl-phosphate synthetase 2, aspartate transcarbamylase, and dihydroorotase; plus strand). Cytogenetic location: 2p23.3.
Variant type: single nucleotide variant.
Coding change: c.4208G>A on transcript NM_004341.5 (MANE Select); coding-DNA position 4208, G replaced by A.
Protein change: p.Arg1403Gln; replaces arginine 1403 with glutamine.
Molecular consequence: missense variant.
Genome position (GRCh38, 1-based): chr2:27,236,417, G>A. VCF-style: chr2-27236417-G-A. GRCh37 (hg19) VCF-style: chr2-27459285-G-A.
Other names: c.4019G>A, p.Arg1340Gln (NM_001306079.2); short protein forms R1340Q, R1403Q.
Identifiers: ClinVar variation 1028222 (VCV001028222.4), dbSNP rs368332006, ClinGen allele CA1573460.